The following is an entry in ClinVar:

ClinVar aggregate classification (germline): Likely benign (1 of 4 stars; one submission).

Allele frequency attached by ClinVar (database versions not stated): 1000 Genomes Project 0.00379; 1000 Genomes Project 30x 0.00390; ESP Exome Variant Server 0.00503; ExAC 0.00978; gnomAD exomes 0.01004.
gnomAD v4.1: 15,532 of 1,604,584 alleles (0.97%); highest among the groups gnomAD compares: East Asian, 1.9%; 98 homozygotes.

Submission:

CeGaT Center for Human Genetics Tuebingen
Classification: Likely benign. Last evaluated: 2022-12-01. Review status: criteria provided, single submitter. Criteria: CeGaT Center For Human Genetics Tuebingen Variant Classification Criteria Version 2. Collection method: clinical testing. Allele origin: germline. Affected: yes. Observed: 2 variant alleles.
Comment: ZZEF1: BP4, BP7, BS2

NM_015113.4(ZZEF1):c.204C>T (p.Pro68=)

Gene: ZZEF1 (zinc finger ZZ-type and EF-hand domain containing 1; minus strand). Cytogenetic location: 17p13.2.
Variant type: single nucleotide variant.
Coding change: c.204C>T on transcript NM_015113.4 (MANE Select); coding-DNA position 204, C replaced by T.
Protein change: p.Pro68=; no amino-acid change (proline 68 retained).
Molecular consequence: synonymous variant.
Genome position (GRCh38, 1-based): chr17:4,142,692, G>A on the plus strand (C>T on the coding strand, the complement: ZZEF1 is on the minus strand). VCF-style: chr17-4142692-G-A. GRCh37 (hg19) VCF-style: chr17-4045986-G-A.
Identifiers: ClinVar variation 2647251 (VCV002647251.24), dbSNP rs111724159, ClinGen allele CA8300413.